The following is an entry in ClinVar:

ClinVar aggregate classification (germline): Uncertain significance (1 of 4 stars; one submission).

gnomAD v4.1: 4 of 1,613,994 alleles (0.00025%); highest among the groups gnomAD compares: Non-Finnish European, 0.00034%; no homozygotes.

Submission:

Labcorp Genetics (formerly Invitae), Labcorp
Classification: Uncertain significance. Last evaluated: 2022-08-09. Review status: criteria provided, single submitter. Criteria: Invitae Variant Classification Sherloc (09022015). Collection method: clinical testing. Allele origin: germline.
Comment: This sequence change replaces arginine, which is basic and polar, with tryptophan, which is neutral and slightly polar, at codon 374 of the NOTCH3 protein (p.Arg374Trp). This variant is not present in population databases (gnomAD no frequency). This variant has not been reported in the literature in individuals affected with NOTCH3-related conditions. ClinVar contains an entry for this variant (Variation ID: 1434088). Advanced modeling of protein sequence and biophysical properties (such as structural, functional, and spatial information, amino acid conservation, physicochemical variation, residue mobility, and thermodynamic stability) performed at Invitae indicates that this missense variant is not expected to disrupt NOTCH3 protein function. In summary, the available evidence is currently insufficient to determine the role of this variant in disease. Therefore, it has been classified as a Variant of Uncertain Significance.

NM_000435.3(NOTCH3):c.1120C>T (p.Arg374Trp)

Gene: NOTCH3 (notch receptor 3; minus strand). Cytogenetic location: 19p13.12.
Variant type: single nucleotide variant.
Coding change: c.1120C>T on transcript NM_000435.3 (MANE Select); coding-DNA position 1120, C replaced by T.
Protein change: p.Arg374Trp; replaces arginine 374 with tryptophan.
Molecular consequence: missense variant.
Genome position (GRCh38, 1-based): chr19:15,189,345, G>A on the plus strand (C>T on the coding strand, the complement: NOTCH3 is on the minus strand). VCF-style: chr19-15189345-G-A. GRCh37 (hg19) VCF-style: chr19-15300156-G-A.
Other names: short protein forms R374W.
Identifiers: ClinVar variation 1434088 (VCV001434088.8), dbSNP rs867723391, ClinGen allele CA305776048.